The following is an entry in ClinVar:

NM_016239.4(MYO15A):c.6407G>A (p.Trp2136Ter)

Gene: MYO15A (myosin XVA; plus strand). Cytogenetic location: 17p11.2.
Variant type: single nucleotide variant.
Coding change: c.6407G>A on transcript NM_016239.4 (MANE Select); coding-DNA position 6407, G replaced by A.
Protein change: p.Trp2136Ter; replaces tryptophan 2136 with a stop codon.
Molecular consequence: nonsense.
Genome position (GRCh38, 1-based): chr17:18,146,005, G>A. VCF-style: chr17-18146005-G-A. GRCh37 (hg19) VCF-style: chr17-18049319-G-A.
Other names: short protein forms W2136*.
Identifiers: ClinVar variation 5037977 (VCV005037977.2).
Genomic context (GRCh38, chr17:18,146,005, plus strand): 5'-AGGGGCTGGCGGTGCCTGAGCTGCGGGATGAGATCCTGGCACAGCTGGCCAATCAGGTGT[G>A]GCACAATCACAATGCCCACAATGCTGAGCGGGGCTGGCTGCTGCTGGCCGCCTGCCTCAG-3'

ClinVar aggregate classification (germline): Likely pathogenic (1 of 4 stars; one submission).

Conditions:
Autosomal recessive nonsyndromic hearing loss 3. Also called: NEUROSENSORY NONSYNDROMIC RECESSIVE DEAFNESS 3. Identifiers: Orphanet 90636, MedGen C1838263, MONDO:0010860, OMIM 600316.

Submission:

Juno Genomics, Hangzhou Juno Genomics, Inc
Classification: Likely pathogenic for Autosomal recessive nonsyndromic hearing loss 3. Review status: criteria provided, single submitter. Criteria: ACMG Guidelines, 2015. Collection method: clinical testing. Allele origin: germline.
Comment: Absent from controls (or at extremely low frequency if recessive) in Genome Aggregation Database.;Null variant in a gene where loss of function (LOF) is a known mechanism of disease.